The following is an entry in ClinVar:

ClinVar aggregate classification (germline): Uncertain significance. Review status: criteria provided, multiple submitters, no conflicts (2 of 4 stars). 2 submissions from 2 submitters: Uncertain significance (2). Last evaluated 2024-02-17.

Conditions:
Colorectal cancer, hereditary nonpolyposis, type 7. Identifiers: Orphanet 144, MedGen C1858380, MONDO:0013725, OMIM 614385.

Allele frequency attached by ClinVar (database versions not stated): gnomAD exomes below 0.00001; TOPMed below 0.00001.

Submissions (2):

Labcorp Genetics (formerly Invitae), Labcorp
Classification: Uncertain significance for Colorectal cancer, hereditary nonpolyposis, type 7. Last evaluated: 2024-02-17. Review status: criteria provided, single submitter. Criteria: Invitae Variant Classification Sherloc (09022015). Collection method: clinical testing. Allele origin: germline.
Comment: This sequence change replaces alanine, which is neutral and non-polar, with threonine, which is neutral and polar, at codon 177 of the MLH3 protein (p.Ala177Thr). This variant is present in population databases (no rsID available, gnomAD no frequency). This variant has not been reported in the literature in individuals affected with MLH3-related conditions. ClinVar contains an entry for this variant (Variation ID: 861728). An algorithm developed to predict the effect of missense changes on protein structure and function (PolyPhen-2) suggests that this variant is likely to be disruptive. In summary, the available evidence is currently insufficient to determine the role of this variant in disease. Therefore, it has been classified as a Variant of Uncertain Significance.

Ambry Genetics
Classification: Uncertain significance. Last evaluated: 2024-01-07. Review status: criteria provided, single submitter. Criteria: Ambry Variant Classification Scheme 2023. Collection method: clinical testing. Allele origin: germline.
Comment: The p.A177T variant (also known as c.529G>A), located in coding exon 1 of the MLH3 gene, results from a G to A substitution at nucleotide position 529. The alanine at codon 177 is replaced by threonine, an amino acid with similar properties. This amino acid position is conserved. In addition, this alteration is predicted to be deleterious by in silico analysis. Since supporting evidence is limited at this time, the clinical significance of this alteration remains unclear.

NM_001040108.2(MLH3):c.529G>A (p.Ala177Thr)

Gene: MLH3 (mutL homolog 3; minus strand). Cytogenetic location: 14q24.3.
Variant type: single nucleotide variant.
Coding change: c.529G>A on transcript NM_001040108.2 (MANE Select); coding-DNA position 529, G replaced by A.
Protein change: p.Ala177Thr; replaces alanine 177 with threonine.
Molecular consequence: missense variant.
Genome position (GRCh38, 1-based): chr14:75,049,127, C>T on the plus strand (G>A on the coding strand, the complement: MLH3 is on the minus strand). VCF-style: chr14-75049127-C-T. GRCh37 (hg19) VCF-style: chr14-75515830-C-T.
Other names: c.529G>A, p.Ala177Thr (NM_014381.3); short protein forms A177T.
Identifiers: ClinVar variation 861728 (VCV000861728.12), dbSNP rs1176881826, ClinGen allele CA390449960.
Genomic context (GRCh38, chr14:75,049,127, plus strand): 5'-TGGAACCAGAAACATCATTTCTCAAAGAGAAAGAAATGGAAGGGTGCATGAGTGAGAGAG[C>T]TTCTATTCTCTGCCTAACCTTCTCAAACTCCAGTCTAGGGTCCATGCATTTCCTCCTTAC-3'
Protein context (NP_001035197.1, residues 167-187): EFEKVRQRIE[Ala177Thr]LSLMHPSISF